The following is an entry in ClinVar:

NM_000350.3(ABCA4):c.6735del (p.Phe2245fs)

Gene: ABCA4 (ATP binding cassette subfamily A member 4; minus strand). Cytogenetic location: 1p22.1.
Variant type: Deletion.
Coding change: c.6735del on transcript NM_000350.3 (MANE Select); coding-DNA position 6735, one base deleted (T; older notation c.6735delT).
Protein change: p.Phe2245fs; shifts the reading frame from phenylalanine 2245.
Molecular consequence: frameshift variant.
Genome position (GRCh38, 1-based): chr1:93,996,190, A deleted on the plus strand (T on the coding strand, the reverse complement: ABCA4 is on the minus strand); the first of 3 consecutive A bases (chr1:93,996,190-93,996,192); deleting any one gives the same sequence. VCF-style (leftmost placement, unchanged base first): chr1-93996189-CA-C. GRCh37 (hg19) VCF-style: chr1-94461745-CA-C.
Other names: c.6511delT, p.Phe2171Leufs (NM_001425324.1); short protein forms F2245fs.
Identifiers: ClinVar variation 2098035 (VCV002098035.5), dbSNP rs2523609688, ClinGen allele CA2580063327.

ClinVar aggregate classification (germline): Pathogenic. Review status: criteria provided, single submitter (1 of 4 stars). 2 submissions from 2 submitters: Pathogenic (1). 1 of the submissions does not count toward it. Last evaluated 2022-02-17.

Conditions:
Retinal dystrophy. Also called: Inherited retinal dystrophy. Identifiers: Orphanet 71862, MedGen C0854723, MeSH D058499, MONDO:0019118, HP:0000556.

Submissions (2):

Labcorp Genetics (formerly Invitae), Labcorp
Classification: Pathogenic. Last evaluated: 2022-02-17. Review status: criteria provided, single submitter. Criteria: Invitae Variant Classification Sherloc (09022015). Collection method: clinical testing. Allele origin: germline.
Comment: For these reasons, this variant has been classified as Pathogenic. This variant has not been reported in the literature in individuals affected with ABCA4-related conditions. This variant is not present in population databases (gnomAD no frequency). This sequence change creates a premature translational stop signal (p.Phe2245Leufs*2) in the ABCA4 gene. It is expected to result in an absent or disrupted protein product. Loss-of-function variants in ABCA4 are known to be pathogenic (PMID: 10958761, 24938718, 25312043, 26780318).

Institute of Human Genetics, Univ. Regensburg, Univ. Regensburg
Classification: Pathogenic for Retinal dystrophy. Last evaluated: 2014-01-01. Review status: no assertion criteria provided. Criteria: ACMG Guidelines, 2015. Collection method: clinical testing. Allele origin: germline. Affected: yes. Not counted in ClinVar's aggregate classification.

Literature cited by the submitters: PubMed 10958761 (cited by Labcorp Genetics (formerly Invitae), Labcorp); PubMed 24938718 (cited by Labcorp Genetics (formerly Invitae), Labcorp); PubMed 25312043 (cited by Labcorp Genetics (formerly Invitae), Labcorp); PubMed 26780318 (cited by Labcorp Genetics (formerly Invitae), Labcorp).